The following is an entry in ClinVar:

NM_030962.4(SBF2):c.4258-4C>G

Genes: SBF2 (SET binding factor 2; minus strand), SBF2-AS1 (SBF2 antisense RNA 1; plus strand). Cytogenetic location: 11p15.4.
Variant type: single nucleotide variant.
Coding change: c.4258-4C>G on transcript NM_030962.4 (MANE Select); 4 bases into the intron before coding-DNA position 4258, C replaced by G.
Molecular consequence: intron variant. On other transcripts: non-coding transcript variant (1).
Genome position (GRCh38, 1-based): chr11:9,808,189, G>C on the plus strand (C>G on the coding strand, the complement: SBF2 is on the minus strand). VCF-style: chr11-9808189-G-C. GRCh37 (hg19) VCF-style: chr11-9829736-G-C.
Other names: c.4129-4C>G (NM_001386342.1); c.4354-4C>G (NM_001386339.1).
Identifiers: ClinVar variation 1408281 (VCV001408281.5), dbSNP rs757097139, ClinGen allele CA5880998.
Genomic context (GRCh38, chr11:9,808,189, plus strand): 5'-GAAGCCTTCAAGTGTCCTATAAAAGGGATCACTGAGTAACTGAACCAGGGATGTCACCTA[G>C]GGCATAAGCAGGATGGATTGTCATTAATTTTAGTTCTGAAAAAGGCCTATTACTAAGATA-3'

ClinVar aggregate classification (germline): Uncertain significance. Review status: criteria provided, multiple submitters, no conflicts (2 of 4 stars). 2 submissions from 2 submitters: Uncertain significance (2). Last evaluated 2021-09-26.

Conditions:
Inborn genetic diseases. Identifiers: MedGen C0950123, MeSH D030342.
Charcot-Marie-Tooth disease type 4. Also called: Charcot-Marie-Tooth, Type 4; Charcot-Marie-Tooth disease, type IV. Identifiers: Orphanet 64749, MedGen C4082197, MONDO:0018995.

Allele frequency attached by ClinVar (database versions not stated): TOPMed below 0.00001; ExAC 0.00001; gnomAD 0.00001; gnomAD exomes 0.00001.
gnomAD v4.1: 15 of 1,612,864 alleles (0.00093%); highest among the groups gnomAD compares: Non-Finnish European, 0.0012%; no homozygotes.

Submissions (2):

Labcorp Genetics (formerly Invitae), Labcorp
Classification: Uncertain significance for Charcot-Marie-Tooth disease type 4. Last evaluated: 2021-09-26. Review status: criteria provided, single submitter. Criteria: Invitae Variant Classification Sherloc (09022015). Collection method: clinical testing. Allele origin: germline.
Comment: This sequence change falls in intron 31 of the SBF2 gene. It does not directly change the encoded amino acid sequence of the SBF2 protein. This variant is present in population databases (rs757097139, ExAC 0.002%). This variant has not been reported in the literature in individuals affected with SBF2-related conditions. Algorithms developed to predict the effect of sequence changes on RNA splicing suggest that this variant may create or strengthen a splice site. In summary, the available evidence is currently insufficient to determine the role of this variant in disease. Therefore, it has been classified as a Variant of Uncertain Significance.

Ambry Genetics
Classification: Uncertain significance for Inborn genetic diseases. Last evaluated: 2021-01-08. Review status: criteria provided, single submitter. Criteria: Ambry Variant Classification Scheme 2023. Collection method: clinical testing. Allele origin: germline.
Comment: The c.4258-4C>G intronic variant results from a C to G substitution 4 nucleotides upstream from coding exon 32 in the SBF2 gene. This nucleotide position is not well conserved in available vertebrate species. In silico splice site analysis for this alteration is inconclusive. Since supporting evidence is limited at this time, the clinical significance of this alteration remains unclear.